The following is an entry in ClinVar:

ClinVar aggregate classification (germline): Uncertain significance (1 of 4 stars; one submission).

Conditions:
Fanconi anemia (FA). Also called: Fanconi's anemia. Identifiers: Orphanet 84, MedGen C0015625, MeSH D005199, MONDO:0019391.

Submission:

Labcorp Genetics (formerly Invitae), Labcorp
Classification: Uncertain significance for Fanconi anemia. Last evaluated: 2021-05-18. Review status: criteria provided, single submitter. Criteria: Invitae Variant Classification Sherloc (09022015). Collection method: clinical testing. Allele origin: germline.
Comment: In summary, the available evidence is currently insufficient to determine the role of this variant in disease. Therefore, it has been classified as a Variant of Uncertain Significance. Algorithms developed to predict the effect of missense changes on protein structure and function output the following: SIFT: "Tolerated"; PolyPhen-2: "Benign"; Align-GVGD: "Class C0". The alanine amino acid residue is found in multiple mammalian species, suggesting that this missense change does not adversely affect protein function. These predictions have not been confirmed by published functional studies and their clinical significance is uncertain. This variant has not been reported in the literature in individuals with FANCI-related conditions. This variant is not present in population databases (ExAC no frequency). This sequence change replaces serine with alanine at codon 891 of the FANCI protein (p.Ser891Ala). The serine residue is weakly conserved and there is a moderate physicochemical difference between serine and alanine.

NM_001113378.2(FANCI):c.2671T>G (p.Ser891Ala)

Gene: FANCI (FA complementation group I; plus strand). Cytogenetic location: 15q26.1.
Variant type: single nucleotide variant.
Coding change: c.2671T>G on transcript NM_001113378.2 (MANE Select); coding-DNA position 2671, T replaced by G.
Protein change: p.Ser891Ala; replaces serine 891 with alanine.
Molecular consequence: missense variant.
Genome position (GRCh38, 1-based): chr15:89,299,834, T>G. VCF-style: chr15-89299834-T-G. GRCh37 (hg19) VCF-style: chr15-89843065-T-G.
Other names: c.2392T>G, p.Ser798Ala (NM_001376910.1); c.2671T>G, p.Ser891Ala (NM_001376911.1); c.2491T>G, p.Ser831Ala (NM_018193.3); short protein forms S798A, S891A, S831A.
Identifiers: ClinVar variation 1496903 (VCV001496903.8), dbSNP rs2054461834, ClinGen allele CA393736598.